The following is an entry in ClinVar:

ClinVar aggregate classification (germline): Uncertain significance (1 of 4 stars; one submission).

Conditions:
Amyotrophic lateral sclerosis type 1 (ALS1). Also called: AMYOTROPHIC LATERAL SCLEROSIS 1, FAMILIAL. Identifiers: Orphanet 803, MedGen C1862939, MONDO:0007103, OMIM 105400.
Neuronopathy, distal hereditary motor, type 7B. Also called: HMN VIIB; LOWER MOTOR NEURON DISEASE, DYNACTIN TYPE; NEURONOPATHY, DISTAL HEREDITARY MOTOR, AUTOSOMAL DOMINANT 14; NEURONOPATHY, DISTAL HEREDITARY MOTOR, HARDING TYPE VIIB; NEUROPATHY, DISTAL HEREDITARY MOTOR, HARDING TYPE VIIB; NEUROPATHY, DISTAL HEREDITARY MOTOR, WITH VOCAL CORD PARALYSIS, HARDING TYPE VIIB. Identifiers: Orphanet 139589, MedGen C1843315, MONDO:0011879, OMIM 607641.
Perry syndrome. Also called: PARKINSONISM WITH ALVEOLAR HYPOVENTILATION AND MENTAL DEPRESSION. Identifiers: Orphanet 178509, MedGen C1868594, MONDO:0008201, OMIM 168605.

gnomAD v4.1: 1 of 1,614,056 alleles (0.000062%); highest among the groups gnomAD compares: East Asian, 0.0022%; no homozygotes.

Submission:

Labcorp Genetics (formerly Invitae), Labcorp
Classification: Uncertain significance for Amyotrophic lateral sclerosis type 1; Neuronopathy, distal hereditary motor, type 7B; Perry syndrome. Last evaluated: 2025-10-27. Review status: criteria provided, single submitter. Criteria: Invitae Variant Classification Sherloc (09022015). Collection method: clinical testing. Allele origin: germline.
Comment: This sequence change replaces glutamine, which is neutral and polar, with leucine, which is neutral and non-polar, at codon 1191 of the DCTN1 protein (p.Gln1191Leu). This variant is present in population databases (no rsID available, gnomAD 0.006%). This variant has not been reported in the literature in individuals affected with DCTN1-related conditions. Invitae Evidence Modeling of protein sequence and biophysical properties (such as structural, functional, and spatial information, amino acid conservation, physicochemical variation, residue mobility, and thermodynamic stability) indicates that this missense variant is not expected to disrupt DCTN1 protein function with a negative predictive value of 95%. In summary, the available evidence is currently insufficient to determine the role of this variant in disease. Therefore, it has been classified as a Variant of Uncertain Significance.

NM_004082.5(DCTN1):c.3572A>T (p.Gln1191Leu)

Gene: DCTN1 (dynactin subunit 1; minus strand). Cytogenetic location: 2p13.1.
Variant type: single nucleotide variant.
Coding change: c.3572A>T on transcript NM_004082.5 (MANE Select); coding-DNA position 3572, A replaced by T.
Protein change: p.Gln1191Leu; replaces glutamine 1191 with leucine.
Molecular consequence: missense variant. On other transcripts: non-coding transcript variant (1).
Genome position (GRCh38, 1-based): chr2:74,362,687, T>A on the plus strand (A>T on the coding strand, the complement: DCTN1 is on the minus strand). VCF-style: chr2-74362687-T-A. GRCh37 (hg19) VCF-style: chr2-74589814-T-A.
Other names: c.3497A>T, p.Gln1166Leu (NM_001135040.3); c.3155A>T, p.Gln1052Leu (NM_001135041.3); c.3446A>T, p.Gln1149Leu (NM_001190836.2); c.3551A>T, p.Gln1184Leu (NM_001190837.2); c.3521A>T, p.Gln1174Leu (NM_001378991.1); c.3503A>T, p.Gln1168Leu (NM_001378992.1); c.3170A>T, p.Gln1057Leu (NM_023019.4); short protein forms Q1168L, Q1174L, Q1057L, Q1149L, Q1191L, Q1052L, Q1166L, Q1184L.
Identifiers: ClinVar variation 4791890 (VCV004791890.1).
Genomic context (GRCh38, chr2:74,362,687, plus strand): 5'-TCTGCCTGGCAAACTGAGCTGACCTTGAGCTTCTCGACGGTGTCACTCAGGGACTTAAGC[T>A]GAGCCACTTGCTCCATAAGTTGGGCCGACGGGCTCTTGGCAGCTGTGGGGAGAGAAAGCT-3'
Protein context (NP_004073.2, residues 1181-1201): PSAQLMEQVA[Gln1191Leu]LKSLSDTVEK